The following is an entry in ClinVar:

NM_001098668.4(SFTPA2):c.186G>A (p.Pro62=)

Gene: SFTPA2 (surfactant protein A2; minus strand). Cytogenetic location: 10q22.3.
Variant type: single nucleotide variant.
Coding change: c.186G>A on transcript NM_001098668.4 (MANE Select); coding-DNA position 186, G replaced by A.
Protein change: p.Pro62=; no amino-acid change (proline 62 retained).
Molecular consequence: synonymous variant.
Genome position (GRCh38, 1-based): chr10:79,558,992, C>T on the plus strand (G>A on the coding strand, the complement: SFTPA2 is on the minus strand). VCF-style: chr10-79558992-C-T. GRCh37 (hg19) VCF-style: chr10-81318748-C-T.
Other names: c.186G>A, p.Pro62= (NM_001320813.2); c.216G>A, p.Pro72= (NM_001320814.1).
Identifiers: ClinVar variation 719472 (VCV000719472.8), dbSNP rs2434114, ClinGen allele CA5574164.

ClinVar aggregate classification (germline): Benign. Review status: criteria provided, single submitter (1 of 4 stars). 4 submissions from 4 submitters: Benign (1). 3 of the submissions do not count toward it. Last evaluated 2019-12-31.

Conditions:
SFTPA2-related disorder. Also called: SFTPA2-related condition.

Allele frequency attached by ClinVar (database versions not stated): ESP Exome Variant Server 0.00031; TOPMed 0.00144; 1000 Genomes Project 0.00180; 1000 Genomes Project 30x 0.00187.
gnomAD v4.1: 2,184 of 1,613,056 alleles (0.14%); highest among the groups gnomAD compares: South Asian, 0.71%; 14 homozygotes.

Submissions (4):

Labcorp Genetics (formerly Invitae), Labcorp
Classification: Benign. Last evaluated: 2019-12-31. Review status: criteria provided, single submitter. Criteria: Invitae Variant Classification Sherloc (09022015). Collection method: clinical testing. Allele origin: germline.

PreventionGenetics, part of Exact Sciences
Classification: Likely benign for SFTPA2-related condition. Last evaluated: 2019-11-21. Review status: no assertion criteria provided. Collection method: clinical testing. Allele origin: germline. Not counted in ClinVar's aggregate classification.
Comment: This variant is classified as likely benign based on ACMG/AMP sequence variant interpretation guidelines (Richards et al. 2015 PMID: 25741868, with internal and published modifications).

Clinical Genetics DNA and cytogenetics Diagnostics Lab, Erasmus MC, Erasmus Medical Center
Classification: Likely benign. Review status: no assertion criteria provided. Collection method: clinical testing. Allele origin: germline. Affected: yes. Study: VKGL Data-share Consensus. Not counted in ClinVar's aggregate classification.

Genome Diagnostics Laboratory, University Medical Center Utrecht
Classification: Benign. Review status: no assertion criteria provided. Collection method: clinical testing. Allele origin: germline. Affected: yes. Study: VKGL Data-share Consensus. Not counted in ClinVar's aggregate classification.